The following is an entry in ClinVar:

ClinVar aggregate classification (germline): Likely benign. Review status: criteria provided, single submitter (1 of 4 stars). 2 submissions from 2 submitters: Likely benign (1). 1 of the submissions does not count toward it. Last evaluated 2025-09-17.

Conditions:
LTBP2-related disorder. Also called: LTBP2-related condition; LTBP2-related disorders.

Allele frequency attached by ClinVar (database versions not stated): ExAC 0.00003; TOPMed 0.00003; gnomAD 0.00005; gnomAD exomes 0.00013.
gnomAD v4.1: 199 of 1,611,812 alleles (0.012%); highest among the groups gnomAD compares: Non-Finnish European, 0.016%; no homozygotes.

Submissions (2):

Labcorp Genetics (formerly Invitae), Labcorp
Classification: Likely benign. Last evaluated: 2025-09-17. Review status: criteria provided, single submitter. Criteria: Invitae Variant Classification Sherloc (09022015). Collection method: clinical testing. Allele origin: germline.

PreventionGenetics, part of Exact Sciences
Classification: Likely benign for LTBP2-related condition. Last evaluated: 2019-03-05. Review status: no assertion criteria provided. Collection method: clinical testing. Allele origin: germline. Not counted in ClinVar's aggregate classification.
Comment: This variant is classified as likely benign based on ACMG/AMP sequence variant interpretation guidelines (Richards et al. 2015 PMID: 25741868, with internal and published modifications).

NM_000428.3(LTBP2):c.2538C>T (p.Asp846=)

Gene: LTBP2 (latent transforming growth factor beta binding protein 2; minus strand). Cytogenetic location: 14q24.3.
Variant type: single nucleotide variant.
Coding change: c.2538C>T on transcript NM_000428.3 (MANE Select); coding-DNA position 2538, C replaced by T.
Protein change: p.Asp846=; no amino-acid change (aspartic acid 846 retained).
Molecular consequence: synonymous variant.
Genome position (GRCh38, 1-based): chr14:74,522,911, G>A on the plus strand (C>T on the coding strand, the complement: LTBP2 is on the minus strand). VCF-style: chr14-74522911-G-A. GRCh37 (hg19) VCF-style: chr14-74989614-G-A.
Other names: c.2538C>T (NM_000428.2).
Identifiers: ClinVar variation 2177055 (VCV002177055.6), dbSNP rs535417227, ClinGen allele CA7269465.
Genomic context (GRCh38, chr14:74,522,911, plus strand): 5'-ATCGGGGAGGTTCACGCAGGTTCCAGGGCCACAGACGTTGGTGGCTCCAGCAGCGCATCT[G>A]TCAATGCCTGTGGGAGACAGAGCAAAACAGAGGTTATGGCAGGGTGGGTGCTGGACAAAG-3'
Protein context (NP_000419.1, residues 836-856): VLVTLSTPGI[Asp846=]RCAAGATNVC